The following is an entry in ClinVar:

NM_000318.3(PEX2):c.*1765G>A

Gene: PEX2 (peroxisomal biogenesis factor 2; minus strand). Cytogenetic location: 8q21.13.
Variant type: single nucleotide variant.
Coding change: c.*1765G>A on transcript NM_000318.3 (MANE Select); 1765 bases downstream of the stop codon, G replaced by A.
Molecular consequence: 3 prime UTR variant.
Genome position (GRCh38, 1-based): chr8:76,981,496, C>T on the plus strand (G>A on the coding strand, the complement: PEX2 is on the minus strand). VCF-style: chr8-76981496-C-T. GRCh37 (hg19) VCF-style: chr8-77893732-C-T.
Other names: c.*1765G>A (NM_001079867.2, NM_001172086.2, NM_001172087.2).
Identifiers: ClinVar variation 363788 (VCV000363788.6), dbSNP rs60300869, ClinGen allele CA10631610.

ClinVar aggregate classification (germline): Likely benign. Review status: criteria provided, multiple submitters, no conflicts (2 of 4 stars). 2 submissions from 2 submitters: Likely benign (2). Last evaluated 2018-01-12.

Conditions:
Peroxisome biogenesis disorder 5A (Zellweger) (PBD5A). Identifiers: Orphanet 912, MedGen C3553940, MONDO:0013932, OMIM 614866.

Allele frequency attached by ClinVar (database versions not stated): gnomAD 0.00063 and 0.00084; TOPMed 0.00073; 1000 Genomes Project 30x 0.00406; 1000 Genomes Project 0.00419.

Submissions (2):

Illumina Laboratory Services, Illumina
Classification: Likely benign for Peroxisome biogenesis disorder 5A (Zellweger). Last evaluated: 2018-01-12. Review status: criteria provided, single submitter. Criteria: ICSL Variant Classification Criteria 13 December 2019. Collection method: clinical testing. Allele origin: germline.
Comment: This variant was observed in the ICSL laboratory as part of a predisposition screen in an ostensibly healthy population. It had not been previously curated by ICSL or reported in the Human Gene Mutation Database (HGMD: prior to June 1st, 2018), and was therefore a candidate for classification through an automated scoring system. Utilizing variant allele frequency, disease prevalence and penetrance estimates, and inheritance mode, an automated score was calculated to assess if this variant is too frequent to cause the disease. Based on the score and internal cut-off values, a variant classified as likely benign is not then subjected to further curation. The score for this variant resulted in a classification of likely benign for this disease.

Breakthrough Genomics
Classification: Likely benign. Review status: criteria provided, single submitter. Criteria: ACMG Guidelines, 2015. Collection method: not provided. Allele origin: germline. Inheritance: Autosomal recessive inheritance. Affected: yes.